The following is an entry in ClinVar:

ClinVar aggregate classification (germline): Pathogenic/Likely pathogenic. Review status: criteria provided, multiple submitters, no conflicts (2 of 4 stars). 4 submissions from 4 submitters: Pathogenic (1); Likely pathogenic (1). 2 of the submissions do not count toward it. Last evaluated 2025-09-10.

Conditions:
Galactosylceramide beta-galactosidase deficiency. Also called: Krabbe Disease; GALACTOCEREBROSIDASE DEFICIENCY; GALC DEFICIENCY; GLOBOID CELL LEUKOENCEPHALOPATHY; Leukodystrophy, Globoid Cell. Identifiers: Orphanet 487, MedGen C0023521, MONDO:0009499, OMIM 245200.
Incidental Discovery. Identifiers: MedGen C1135954.

Allele frequency attached by ClinVar (database versions not stated): gnomAD exomes below 0.00001; TOPMed below 0.00001.

Submissions (4):

Clinical Genetics Laboratory, Skane University Hospital Lund
Classification: Likely pathogenic for Incidental Discovery. Last evaluated: 2025-09-10. Review status: criteria provided, single submitter. Criteria: ACMG Guidelines, 2015. Collection method: clinical testing. Allele origin: germline. Affected: no.
Comment: ACMG criteria used: PM2, PM3_strong, PM4.

Labcorp Genetics (formerly Invitae), Labcorp
Classification: Pathogenic for Galactosylceramide beta-galactosidase deficiency. Last evaluated: 2023-09-21. Review status: criteria provided, single submitter. Criteria: Invitae Variant Classification Sherloc (09022015). Collection method: clinical testing. Allele origin: germline.
Comment: For these reasons, this variant has been classified as Pathogenic. ClinVar contains an entry for this variant (Variation ID: 555281). This variant is also known as K123del. This variant has been observed in individual(s) with Krabbe disease (PMID: 23197103, 26108647, 35286032). This variant is not present in population databases (gnomAD no frequency). This variant, c.411_413del, results in the deletion of 1 amino acid(s) of the GALC protein (p.Lys139del), but otherwise preserves the integrity of the reading frame.

Counsyl
Classification: Likely pathogenic for Galactosylceramide beta-galactosidase deficiency. Last evaluated: 2017-11-30. Review status: no assertion criteria provided. Collection method: clinical testing. Allele origin: unknown. Not counted in ClinVar's aggregate classification.

Ege University Pediatric Genetics, Ege University
Classification: Uncertain significance for Krabbe disease. Last evaluated: 2019-05-15. Review status: flagged submission. Criteria: ACMG Guidelines, 2015. Collection method: clinical testing. Allele origin: germline. Affected: yes. Not counted in ClinVar's aggregate classification.
ClinVar note: Notes: Does not cite a number of articles with case-level data supporting pathogenicity.
ClinVar note: Reason: Claim with insufficient supporting evidence

Literature cited by the submitters: PubMed 23197103 (cited by Labcorp Genetics (formerly Invitae), Labcorp and Counsyl); PubMed 26108647 (cited by Labcorp Genetics (formerly Invitae), Labcorp and Counsyl); PubMed 35286032 (cited by Labcorp Genetics (formerly Invitae), Labcorp); PubMed 27785412 (cited by Counsyl); PubMed 31319225 (cited by Ege University Pediatric Genetics, Ege University).

NM_000153.4(GALC):c.411_413del (p.Lys139del)

Gene: GALC (galactosylceramidase; minus strand). Cytogenetic location: 14q31.3.
Variant type: Deletion.
Coding change: c.411_413del on transcript NM_000153.4 (MANE Select); coding-DNA positions 411 to 413, 3 bases deleted (TAA; older notation c.411_413delTAA).
Protein change: p.Lys139del; deletes lysine 139.
Molecular consequence: inframe deletion.
Genome position (GRCh38, 1-based): chr14:87,986,518-87,986,520, TTA deleted on the plus strand (TAA on the coding strand, the reverse complement: GALC is on the minus strand). VCF-style (leftmost placement, unchanged base first): chr14-87986517-CTTA-C. GRCh37 (hg19) VCF-style: chr14-88452861-CTTA-C.
Other names: c.342_344del, p.Lys116del (NM_001201401.2); c.333_335del, p.Lys113del (NM_001201402.2); short protein forms K139del, K116del, K113del.
Identifiers: ClinVar variation 555281 (VCV000555281.9), dbSNP rs1555383687, ClinGen allele CA658823917.